The following is an entry in ClinVar:

NM_058004.4(PI4KA):c.3378C>T (p.Ser1126=)

Gene: PI4KA (phosphatidylinositol 4-kinase alpha; minus strand). Cytogenetic location: 22q11.21.
Variant type: single nucleotide variant.
Coding change: c.3378C>T on transcript NM_058004.4 (MANE Select); coding-DNA position 3378, C replaced by T.
Protein change: p.Ser1126=; no amino-acid change (serine 1126 retained).
Molecular consequence: synonymous variant. On other transcripts: intron variant (1).
Genome position (GRCh38, 1-based): chr22:20,744,706, G>A on the plus strand (C>T on the coding strand, the complement: PI4KA is on the minus strand). VCF-style: chr22-20744706-G-A. GRCh37 (hg19) VCF-style: chr22-21098994-G-A.
Other names: c.3312C>T, p.Ser1104= (NM_001362863.2); c.3364-1942C>T (NM_001362862.2).
Identifiers: ClinVar variation 3036645 (VCV003036645.2), dbSNP rs111788006, ClinGen allele CA10115389.

ClinVar aggregate classification (germline): Likely benign (0 of 4 stars; one submission).

Conditions:
PI4KA-related disorder. Also called: PI4KA-related condition; PI4KA-related disorders. Identifiers: MedGen CN378147, MONDO:1040012.

Allele frequency attached by ClinVar (database versions not stated): gnomAD exomes 0.00001; ExAC 0.00002; gnomAD 0.00003; TOPMed 0.00004.
gnomAD v4.1: 17 of 1,613,868 alleles (0.0011%); highest among the groups gnomAD compares: Middle Eastern, 0.016%; no homozygotes.

Submission:

PreventionGenetics, part of Exact Sciences
Classification: Likely benign for PI4KA-related condition. Last evaluated: 2024-02-06. Review status: no assertion criteria provided. Collection method: clinical testing. Allele origin: germline.
Comment: This variant is classified as likely benign based on ACMG/AMP sequence variant interpretation guidelines (Richards et al. 2015 PMID: 25741868, with internal and published modifications).